The following is an entry in ClinVar:

ClinVar aggregate classification (germline): Uncertain significance. Review status: criteria provided, multiple submitters, no conflicts (2 of 4 stars). 5 submissions from 5 submitters: Uncertain significance (5). Last evaluated 2025-12-23.

Conditions:
Wolfram syndrome 1 (WFS1). Identifiers: Orphanet 3463, MedGen C4551693, MONDO:0009101, OMIM 222300.
Autosomal dominant nonsyndromic hearing loss 6 (LFSNHL). Also called: Autosomal dominant nonsyndromic deafness 6; DEAFNESS, AUTOSOMAL DOMINANT 6; DEAFNESS, AUTOSOMAL DOMINANT 14; DEAFNESS, AUTOSOMAL DOMINANT 38. Identifiers: Orphanet 90635, MedGen C1833021, MONDO:0010963, OMIM 600965.
Type 2 diabetes mellitus. Also called: Type II diabetes mellitus. Identifiers: MedGen C0011860, MeSH D003924, MONDO:0005148, OMIM 125853, HP:0005978.
Cataract 41 (CTRCT41). Also called: CATARACT 41, CONGENITAL NUCLEAR TYPE. Identifiers: Orphanet 91492, Orphanet 98991, Orphanet 98992, Orphanet 98995, MedGen C3805412, MONDO:0007287, OMIM 116400.
Wolfram-like syndrome. Also called: HEARING LOSS, PROGRESSIVE, WITH OPTIC ATROPHY AND/OR IMPAIRED GLUCOSE REGULATION. Identifiers: Orphanet 411590, MedGen C3280358, MONDO:0013673, OMIM 614296.

Allele frequency attached by ClinVar (database versions not stated): gnomAD exomes 0.00001 and 0.00002; ExAC 0.00003; gnomAD 0.00011 and 0.00012; ESP Exome Variant Server 0.00015; TOPMed 0.00016.
gnomAD v4.1: 30 of 1,613,406 alleles (0.0019%); highest among the groups gnomAD compares: African/African-American, 0.039%; no homozygotes.

Submissions (5):

Labcorp Genetics (formerly Invitae), Labcorp
Classification: Uncertain significance. Last evaluated: 2025-12-23. Review status: criteria provided, single submitter. Criteria: Invitae Variant Classification Sherloc (09022015). Collection method: clinical testing. Allele origin: germline.
Comment: This sequence change replaces serine, which is neutral and polar, with proline, which is neutral and non-polar, at codon 662 of the WFS1 protein (p.Ser662Pro). This variant is present in population databases (rs376341411, gnomAD 0.04%). This variant has not been reported in the literature in individuals affected with WFS1-related conditions. ClinVar contains an entry for this variant (Variation ID: 166600). Invitae Evidence Modeling of protein sequence and biophysical properties (such as structural, functional, and spatial information, amino acid conservation, physicochemical variation, residue mobility, and thermodynamic stability) indicates that this missense variant is expected to disrupt WFS1 protein function with a positive predictive value of 95%. In summary, the available evidence is currently insufficient to determine the role of this variant in disease. Therefore, it has been classified as a Variant of Uncertain Significance.

GeneDx
Classification: Uncertain significance. Last evaluated: 2025-05-06. Review status: criteria provided, single submitter. Criteria: GeneDx Variant Classification Process June 2021. Collection method: clinical testing. Allele origin: germline. Affected: yes.
Comment: Has not been previously published as pathogenic or benign to our knowledge; In silico analysis supports that this missense variant has a deleterious effect on protein structure/function; This variant is associated with the following publications: (PMID: 26435059)

Fulgent Genetics
Classification: Uncertain significance for Cataract 41; Type 2 diabetes mellitus; Wolfram syndrome 1; Autosomal dominant nonsyndromic hearing loss 6; Wolfram-like syndrome. Last evaluated: 2024-03-03. Review status: criteria provided, single submitter. Criteria: ACMG Guidelines, 2015. Collection method: clinical testing. Allele origin: germline.

Baylor Genetics
Classification: Uncertain significance for Wolfram syndrome 1. Last evaluated: 2022-02-25. Review status: criteria provided, single submitter. Criteria: ACMG Guidelines, 2015. Collection method: clinical testing. Allele origin: unknown.

Laboratory for Molecular Medicine, Mass General Brigham Personalized Medicine
Classification: Uncertain significance. Last evaluated: 2013-07-28. Review status: criteria provided, single submitter. Criteria: LMM Criteria. Collection method: clinical testing. Allele origin: germline. Observed: 1 variant allele.
Comment: The Ser662Pro variant in WFS1 has not been reported in individuals with hearing loss, but has been identified in 0.05% (2/4406) of African American chromosomes by the NHLBI Exome Sequencing Project. Compu tational analyses (biochemical amino acid properties, conservation, AlignGVGD, P olyPhen2, and SIFT) suggest that the Ser662Pro variant may impact the protein, t hough this information is not predictive enough to determine pathogenicity. In s ummary, additional data is needed to determine the clinical significance of this variant.

NM_006005.3(WFS1):c.1984T>C (p.Ser662Pro)

Gene: WFS1 (wolframin ER transmembrane glycoprotein; plus strand). Cytogenetic location: 4p16.1.
Variant type: single nucleotide variant.
Coding change: c.1984T>C on transcript NM_006005.3 (MANE Select); coding-DNA position 1984, T replaced by C.
Protein change: p.Ser662Pro; replaces serine 662 with proline.
Molecular consequence: missense variant.
Genome position (GRCh38, 1-based): chr4:6,301,779, T>C. VCF-style: chr4-6301779-T-C. GRCh37 (hg19) VCF-style: chr4-6303506-T-C.
Other names: c.1984T>C, p.Ser662Pro (NM_001145853.1); short protein forms S662P.
Identifiers: ClinVar variation 166600 (VCV000166600.16), dbSNP rs376341411, ClinGen allele CA179661.
Genomic context (GRCh38, chr4:6,301,779, plus strand): 5'-GCCATCGTGCTGTTCTGCTGGTTCTATGTGTACCGCTCAGAGGGCATGAAGGTCTACAAC[T>C]CCACACTGACCTGGCAGCAGTATGGTGCGCTGTGCGGGCCACGCGCCTGGAAGGAGACCA-3'
Protein context (NP_005996.2, residues 652-672): YRSEGMKVYN[Ser662Pro]TLTWQQYGAL